The following is an entry in ClinVar:

ClinVar aggregate classification (germline): Uncertain significance. Review status: criteria provided, multiple submitters, no conflicts (2 of 4 stars). 3 submissions from 3 submitters: Uncertain significance (3). Last evaluated 2023-12-05.

Conditions:
Hereditary nonpolyposis colorectal neoplasms. Identifiers: MedGen C0009405, MeSH D003123.
Hereditary cancer-predisposing syndrome. Also called: Hereditary neoplastic syndrome; Tumor predisposition; Hereditary Cancer Syndrome; Neoplastic Syndromes, Hereditary. Identifiers: Orphanet 140162, MedGen C0027672, MeSH D009386, MONDO:0015356.

gnomAD v4.1: 1 of 1,614,178 alleles (0.000062%); highest among the groups gnomAD compares: South Asian, 0.0011%; no homozygotes.

Submissions (3):

Color Diagnostics, LLC DBA Color Health
Classification: Uncertain significance for Hereditary cancer-predisposing syndrome. Last evaluated: 2023-12-05. Review status: criteria provided, single submitter. Criteria: ACMG Guidelines, 2015. Collection method: clinical testing. Allele origin: germline.
Comment: This missense variant replaces alanine with glycine at codon 350 of the MSH6 protein. Computational prediction suggests that this variant may not impact protein structure and function (internally defined REVEL score threshold <= 0.5, PMID: 27666373). To our knowledge, functional studies have not been reported for this variant. This variant has not been reported in individuals affected with MSH6-related disorders in the literature. This variant has not been identified in the general population by the Genome Aggregation Database (gnomAD). The available evidence is insufficient to determine the role of this variant in disease conclusively. Therefore, this variant is classified as a Variant of Uncertain Significance.

Ambry Genetics
Classification: Uncertain significance for Hereditary cancer-predisposing syndrome. Last evaluated: 2023-02-03. Review status: criteria provided, single submitter. Criteria: Ambry Variant Classification Scheme 2023. Collection method: clinical testing. Allele origin: germline.
Comment: The p.A350G variant (also known as c.1049C>G), located in coding exon 4 of the MSH6 gene, results from a C to G substitution at nucleotide position 1049. The alanine at codon 350 is replaced by glycine, an amino acid with similar properties. This amino acid position is conserved. In addition, this alteration is predicted to be tolerated by in silico analysis. Since supporting evidence is limited at this time, the clinical significance of this alteration remains unclear.

Labcorp Genetics (formerly Invitae), Labcorp
Classification: Uncertain significance for Hereditary nonpolyposis colorectal neoplasms. Last evaluated: 2019-04-21. Review status: criteria provided, single submitter. Criteria: Invitae Variant Classification Sherloc (09022015). Collection method: clinical testing. Allele origin: germline.
Comment: This variant has not been reported in the literature in individuals with MSH6-related conditions. ClinVar contains an entry for this variant (Variation ID: 491864). This variant is not present in population databases (ExAC no frequency). This sequence change replaces alanine with glycine at codon 350 of the MSH6 protein (p.Ala350Gly). The alanine residue is weakly conserved and there is a small physicochemical difference between alanine and glycine. In summary, the available evidence is currently insufficient to determine the role of this variant in disease. Therefore, it has been classified as a Variant of Uncertain Significance. Algorithms developed to predict the effect of missense changes on protein structure and function (SIFT, PolyPhen-2, Align-GVGD) all suggest that this variant is likely to be tolerated, but these predictions have not been confirmed by published functional studies and their clinical significance is uncertain.

NM_000179.3(MSH6):c.1049C>G (p.Ala350Gly)

Gene: MSH6 (mutS homolog 6; plus strand). Cytogenetic location: 2p16.3.
Variant type: single nucleotide variant.
Coding change: c.1049C>G on transcript NM_000179.3 (MANE Select); coding-DNA position 1049, C replaced by G.
Protein change: p.Ala350Gly; replaces alanine 350 with glycine.
Molecular consequence: missense variant.
Genome position (GRCh38, 1-based): chr2:47,799,032, C>G. VCF-style: chr2-47799032-C-G. GRCh37 (hg19) VCF-style: chr2-48026171-C-G.
Other names: c.659C>G, p.Ala220Gly (NM_001281492.2); c.143C>G, p.Ala48Gly (NM_001281493.2, NM_001281494.2); short protein forms A350G, A48G, A220G.
Identifiers: ClinVar variation 491864 (VCV000491864.17), dbSNP rs587782331, ClinGen allele CA346741523.